The following is an entry in ClinVar:

NM_000277.3(PAH):c.781C>T (p.Arg261Ter)

Gene: PAH (phenylalanine hydroxylase; minus strand). Cytogenetic location: 12q23.2.
Variant type: single nucleotide variant.
Coding change: c.781C>T on transcript NM_000277.3 (MANE Select); coding-DNA position 781, C replaced by T.
Protein change: p.Arg261Ter; replaces arginine 261 with a stop codon.
Molecular consequence: nonsense.
Genome position (GRCh38, 1-based): chr12:102,852,876, G>A on the plus strand (C>T on the coding strand, the complement: PAH is on the minus strand). VCF-style: chr12-102852876-G-A. GRCh37 (hg19) VCF-style: chr12-103246654-G-A.
Other names: NM_000277.1(PAH):c.781C>T; p.Arg261*; c.781C>T, p.Arg261Ter (NM_001354304.2); c.781C>T (NM_000277.2); short protein forms R261*.
Identifiers: ClinVar variation 610 (VCV000000610.143), dbSNP rs5030850, ClinGen allele CA229757.

ClinVar aggregate classification (germline): Pathogenic. Review status: reviewed by expert panel (3 of 4 stars). 24 submissions from 24 submitters: Pathogenic (1). 23 of the submissions do not count toward it. Last evaluated 2018-08-05.

Conditions:
PAH-related disorder. Also called: PAH-related condition.
Pulmonary hypertension, primary, 1 (PPH1). Also called: Pulmonary hypertension, familial primary, 1, with or without HHT. Identifiers: Orphanet 422, MedGen C4552070, MONDO:0024533, OMIM 178600.
Phenylketonuria (PKU). Also called: OLIGOPHRENIA PHENYLPYRUVICA; FOLLING DISEASE; Phenylketonuria (PKU); Phenylketonurias. Identifiers: Orphanet 716, MedGen C0031485, MONDO:0009861, OMIM 261600. Disease mechanism: loss of function.

Allele frequency attached by ClinVar (database versions not stated): ExAC 0.00001; gnomAD 0.00001 and 0.00003; TOPMed 0.00004.

Submissions 1 to 14 of 24:

ClinGen PAH Variant Curation Expert Panel
Classification: Pathogenic for Phenylketonuria. Last evaluated: 2018-08-05. Review status: reviewed by expert panel. Criteria: ClinGen PAH ACMG Specifications v1. Collection method: curation. Allele origin: germline. Inheritance: Autosomal recessive inheritance.
Comment: PAH-specific ACMG/AMP criteria applied: PVS1: Nonsense variant; PP4: Detected in 2 unrelated patients (PMID:1682234); PM3: Detected with H170D, pathogenic (PMID:11385716). In summary this variant meets criteria to be classified as pathogenic for phenylketonuria in an autosomal recessive manner based on the ACMG/AMP criteria applied as specified by the PAH Expert Panel: (PVS1, PP4, PM3).

Variantyx, Inc.
Classification: Pathogenic for Phenylketonuria. Last evaluated: 2026-01-05. Review status: criteria provided, single submitter. Criteria: Variantyx Assertion Criteria 2022. Collection method: clinical testing. Allele origin: germline. Inheritance: Autosomal recessive inheritance. Affected: yes. Not counted in ClinVar's aggregate classification.
Comment: This is a nonsense variant in the PAH gene (OMIM: 612349). Pathogenic variants in this gene have been associated with autosomal recessive phenylketonuria. This variant introduces a premature termination codon in exon 7 out of 13 and is expected to result in loss of function, which is a known disease mechanism for PAH in this disorder (PVS1). This variant has been identified in the homozygous or compound heterozygous state in many individuals reported in the published literature (PMID: 30067850, 11385716) (PM3). It has a 0.0055% maximum allele frequency in non-founder control populations (PM2). Based on the evidence, this variant is classified as pathogenic for autosomal recessive phenylketonuria.

Natera, Inc.
Classification: Pathogenic for Phenylketonuria. Last evaluated: 2025-09-01. Review status: criteria provided, single submitter. Criteria: Natera Variant Classification Schema (03/2026). Collection method: clinical testing. Allele origin: germline. Not counted in ClinVar's aggregate classification.
Comment: The c.781C>T variant in PAH is a nonsense variant predicted to introduce a stop codon at amino acid 261. This variant is expected to result in nonsense mediated decay, truncation, or a dysfunctional protein product. This variant is rare in the general population with a frequency below the threshold expected for the associated phenotype(s). This variant has been observed in one or more individuals affected with the associated recessive disease, as either homozygous or compound heterozygous with a second variant (PMID: 26666653, 20920871). Given the available evidence, this variant is classified as Pathogenic.

Labcorp Genetics (formerly Invitae), Labcorp
Classification: Pathogenic for Phenylketonuria. Last evaluated: 2025-08-21. Review status: criteria provided, single submitter. Criteria: Invitae Variant Classification Sherloc (09022015). Collection method: clinical testing. Allele origin: germline. Not counted in ClinVar's aggregate classification.
Comment: This sequence change creates a premature translational stop signal (p.Arg261*) in the PAH gene. It is expected to result in an absent or disrupted protein product. Loss-of-function variants in PAH are known to be pathogenic (PMID: 1301187, 9634518). This variant is present in population databases (rs5030850, gnomAD 0.004%). This premature translational stop signal has been observed in individuals with PAH-related conditions (PMID: 30067850). ClinVar contains an entry for this variant (Variation ID: 610). Algorithms developed to predict the effect of sequence changes on RNA splicing suggest that this variant may disrupt the consensus splice site. For these reasons, this variant has been classified as Pathogenic.

Dasa
Classification: Pathogenic. Last evaluated: 2024-12-03. Review status: criteria provided, single submitter. Criteria: DASA Assertion Criteria. Collection method: clinical testing. Allele origin: germline. Not counted in ClinVar's aggregate classification.
Comment: NM_000277.3(PAH):c.781C>T (p.Arg261*) introduces a premature termination codon predicted to result in loss of normal protein function. Loss-of-function is an established mechanism of disease for this gene. This variant has been observed in affected individuals with related phenotype in a genotype context consistent with recessive disease (PMID: 20920871; PMID: 23716935; PMID: 24048906; PMID: 26413448; PMID: 28676969). This variant has been recurrently observed in individuals with related phenotype (PMID: 20920871; PMID: 23716935; PMID: 24048906; PMID: 26413448; PMID: 28676969). The variant is present at low frequency in population datasets. Based on the available data, this variant is classified as pathogenic.

3billion
Classification: Pathogenic for Phenylketonuria. Last evaluated: 2024-10-31. Review status: criteria provided, single submitter. Criteria: ACMG Guidelines, 2015. Collection method: clinical testing. Allele origin: germline. Affected: yes. Not counted in ClinVar's aggregate classification.
Comment: The variant is observed at an extremely low frequency in the gnomAD v4.1.0 dataset (total allele frequency: 0.003%). Predicted Consequence/Location: Stop-gained (nonsense): predicted to result in a loss or disruption of normal protein function through nonsense-mediated decay (NMD) or protein truncation. Multiple pathogenic variants are reported downstream of the variant. The variant has been reported to be in trans with a pathogenic variant as either compound heterozygous or homozygous in at least one similarly affected unrelated individual (PMID: 11385716). The variant has been reported multiple times as an established pathogenic variant (ClinVar ID: VCV000000610 /PMID: 1682234). Therefore, this variant is classified as Pathogenic according to the recommendation of ACMG/AMP guideline.

Revvity Omics, Revvity
Classification: Pathogenic for Phenylketonuria. Last evaluated: 2024-08-02. Review status: criteria provided, single submitter. Criteria: ACMG Guidelines, 2015. Collection method: clinical testing. Allele origin: germline. Not counted in ClinVar's aggregate classification.

Genomic Medicine Center of Excellence, King Faisal Specialist Hospital and Research Centre
Classification: Pathogenic for Pulmonary hypertension, primary, 1. Last evaluated: 2024-03-14. Review status: criteria provided, single submitter. Criteria: ACMG Guidelines, 2015. Collection method: research. Allele origin: germline. Not counted in ClinVar's aggregate classification.

Laboratory of Medical Genetics, National & Kapodistrian University of Athens
Classification: Pathogenic for Phenylketonuria. Last evaluated: 2024-02-01. Review status: criteria provided, single submitter. Criteria: ACMG Guidelines, 2015. Collection method: curation. Allele origin: germline. Affected: no. Not counted in ClinVar's aggregate classification.

Mayo Clinic Laboratories, Mayo Clinic
Classification: Pathogenic. Last evaluated: 2024-01-30. Review status: criteria provided, single submitter. Criteria: ACMG Guidelines, 2015. Collection method: clinical testing. Allele origin: germline. Observed: 1 variant allele. Not counted in ClinVar's aggregate classification.
Comment: PM2, PM3, PS4, PVS1

Blueprint Genetics
Classification: Pathogenic for PAH-related disorders. Last evaluated: 2023-12-21. Review status: criteria provided, single submitter. Criteria: ACMG Guidelines, 2015. Collection method: clinical testing. Allele origin: germline. Affected: yes. Observed: 5 variant alleles. Not counted in ClinVar's aggregate classification.

Cellular and Molecular Research Center, Cellular and Molecular Medicine Research Institute,, Urmia University of Medical Sciences
Classification: Pathogenic for Phenylketonuria. Last evaluated: 2023-09-19. Review status: criteria provided, single submitter. Criteria: Zastrow et al. (Hum Mutat. 2018). Collection method: clinical testing. Allele origin: inherited. Inheritance: Autosomal recessive inheritance. Affected: no. Not counted in ClinVar's aggregate classification.

Laboratory for Molecular Medicine, Mass General Brigham Personalized Medicine
Classification: Pathogenic for Phenylketonuria. Last evaluated: 2022-06-30. Review status: criteria provided, single submitter. Criteria: ACMG Guidelines, 2015. Collection method: clinical testing. Allele origin: germline. Not counted in ClinVar's aggregate classification.
Comment: The p.Arg261X variant in PAH has been reported in >20 individuals with phenylketonuria in the homozygous or compound heterozygous state (Dworniczak 1991 PMID: 1682234, Yang 2001 PMID: 11385716, Liang 2014 PMID: 24401910, Gundorova 2018 PMID: 30067850). It has also been identified in 0.004% (3/68014) of European chromosomes by gnomAD. This variant was classified as Pathogenic on Aug 05, 2018 by the ClinGen-approved PAH Variant Curation expert panel (Variation ID 610). In vitro functional studies support an impact on protein function and have shown 1% residual enzyme activity (Zurfluh 2008 PMID: 17935162). In summary, this variant meets criteria to be classified as pathogenic for autosomal recessive phenylketonuria. ACMG/AMP Criteria applied: PVS_1, PM3, PM2_P, PS3_P.

Genome-Nilou Lab
Classification: Pathogenic for Phenylketonuria. Last evaluated: 2021-07-22. Review status: criteria provided, single submitter. Criteria: ACMG Guidelines, 2015. Collection method: clinical testing. Allele origin: germline. Affected: no. Not counted in ClinVar's aggregate classification.